The following is an entry in ClinVar:

NM_144991.3(TSPEAR):c.1317G>A (p.Ala439=)

Gene: TSPEAR (thrombospondin type laminin G domain and EAR repeats; minus strand). Cytogenetic location: 21q22.3.
Variant type: single nucleotide variant.
Coding change: c.1317G>A on transcript NM_144991.3 (MANE Select); coding-DNA position 1317, G replaced by A.
Protein change: p.Ala439=; no amino-acid change (alanine 439 retained).
Molecular consequence: synonymous variant.
Genome position (GRCh38, 1-based): chr21:44,525,672, C>T on the plus strand (G>A on the coding strand, the complement: TSPEAR is on the minus strand). VCF-style: chr21-44525672-C-T. GRCh37 (hg19) VCF-style: chr21-45945555-C-T.
Other names: c.1113G>A, p.Ala371= (NM_001272037.2).
Identifiers: ClinVar variation 512046 (VCV000512046.5), dbSNP rs782043381, ClinGen allele CA10056644.

ClinVar aggregate classification (germline): Likely benign. Review status: criteria provided, multiple submitters, no conflicts (2 of 4 stars). 2 submissions from 2 submitters: Likely benign (2). Last evaluated 2022-10-25.

Allele frequency attached by ClinVar (database versions not stated): TOPMed 0.00004; gnomAD 0.00005.
gnomAD v4.1: 41 of 1,613,848 alleles (0.0025%); highest among the groups gnomAD compares: Middle Eastern, 0.049%; no homozygotes.

Submissions (2):

Labcorp Genetics (formerly Invitae), Labcorp
Classification: Likely benign. Last evaluated: 2022-10-25. Review status: criteria provided, single submitter. Criteria: Invitae Variant Classification Sherloc (09022015). Collection method: clinical testing. Allele origin: germline.

GeneDx
Classification: Likely benign. Last evaluated: 2017-09-11. Review status: criteria provided, single submitter. Criteria: GeneDx Variant Classification (06012015). Collection method: clinical testing. Allele origin: germline. Affected: yes.
Comment: This variant is considered likely benign or benign based on one or more of the following criteria: it is a conservative change, it occurs at a poorly conserved position in the protein, it is predicted to be benign by multiple in silico algorithms, and/or has population frequency not consistent with disease.